The following is an entry in ClinVar:

NM_018089.3(ANKZF1):c.1049-6T>C

Gene: ANKZF1 (ankyrin repeat and zinc finger peptidyl tRNA hydrolase 1; plus strand). Cytogenetic location: 2q35.
Variant type: single nucleotide variant.
Coding change: c.1049-6T>C on transcript NM_018089.3 (MANE Select); 6 bases into the intron before coding-DNA position 1049, T replaced by C.
Molecular consequence: intron variant.
Genome position (GRCh38, 1-based): chr2:219,234,127, T>C. VCF-style: chr2-219234127-T-C. GRCh37 (hg19) VCF-style: chr2-220098849-T-C.
Other names: c.1049-6T>C (NM_001042410.2, NM_018089.2); c.419-6T>C (NM_001282792.2).
Identifiers: ClinVar variation 1164833 (VCV001164833.11), dbSNP rs141815102, ClinGen allele CA2120951.
Genomic context (GRCh38, chr2:219,234,127, plus strand): 5'-ATTGAGAGAAACCTGCGCTAGCTTCTCCTCAGCTAAGGTTGAGAAAGATCTTTTCTTTTA[T>C]GGCAGAAGAAGACCCTCGGGAAGCAGTCAGACTGCACTCACCTCAGACACACTGGAAAAC-3'

ClinVar aggregate classification (germline): Benign. Review status: criteria provided, single submitter (1 of 4 stars). 2 submissions from 2 submitters: Benign (1). 1 of the submissions does not count toward it. Last evaluated 2025-12-24.

Conditions:
ANKZF1-related disorder. Also called: ANKZF1-related condition.

Allele frequency attached by ClinVar (database versions not stated): gnomAD exomes 0.00018 and 0.00040; ExAC 0.00039; ESP Exome Variant Server 0.00058; gnomAD 0.00123 and 0.00126; TOPMed 0.00133; 1000 Genomes Project 30x 0.00141; 1000 Genomes Project 0.00160.

Submissions (2):

Labcorp Genetics (formerly Invitae), Labcorp
Classification: Benign. Last evaluated: 2025-12-24. Review status: criteria provided, single submitter. Criteria: Invitae Variant Classification Sherloc (09022015). Collection method: clinical testing. Allele origin: germline.

PreventionGenetics, part of Exact Sciences
Classification: Likely benign for ANKZF1-related condition. Last evaluated: 2019-03-08. Review status: no assertion criteria provided. Collection method: clinical testing. Allele origin: germline. Not counted in ClinVar's aggregate classification.
Comment: This variant is classified as likely benign based on ACMG/AMP sequence variant interpretation guidelines (Richards et al. 2015 PMID: 25741868, with internal and published modifications).